The following is an entry in ClinVar:

ClinVar aggregate classification (germline): Uncertain significance. Review status: criteria provided, multiple submitters, no conflicts (2 of 4 stars). 2 submissions from 2 submitters: Uncertain significance (2). Last evaluated 2025-07-03.

Conditions:
ATRX-related disorder. Also called: ATRX-related condition.

Submissions (2):

GeneDx
Classification: Uncertain significance. Last evaluated: 2025-07-03. Review status: criteria provided, single submitter. Criteria: GeneDx Variant Classification Process June 2021. Collection method: clinical testing. Allele origin: germline. Affected: yes.
Comment: Not observed at significant frequency in large population cohorts (gnomAD); In silico analysis supports that this missense variant has a deleterious effect on protein structure/function; Has not been previously published as pathogenic or benign to our knowledge

PreventionGenetics, part of Exact Sciences
Classification: Uncertain significance for ATRX-related condition. Last evaluated: 2024-11-22. Review status: criteria provided, single submitter. Criteria: ACMG Guidelines, 2015. Collection method: clinical testing. Allele origin: germline.
Comment: The ATRX c.6349A>G variant is predicted to result in the amino acid substitution p.Thr2117Ala. To our knowledge, this variant has not been reported in the literature or in a large population database, indicating this variant is rare. At this time, the clinical significance of this variant is uncertain due to the absence of conclusive functional and genetic evidence.

NM_000489.6(ATRX):c.6349A>G (p.Thr2117Ala)

Gene: ATRX (ATRX chromatin remodeler; minus strand). Cytogenetic location: Xq21.1.
Variant type: single nucleotide variant.
Coding change: c.6349A>G on transcript NM_000489.6 (MANE Select); coding-DNA position 6349, A replaced by G.
Protein change: p.Thr2117Ala; replaces threonine 2117 with alanine.
Molecular consequence: missense variant.
Genome position (GRCh38, 1-based): chrX:77,558,824, T>C on the plus strand (A>G on the coding strand, the complement: ATRX is on the minus strand). VCF-style: chrX-77558824-T-C. GRCh37 (hg19) VCF-style: chrX-76814295-T-C.
Other names: c.6235A>G, p.Thr2079Ala (NM_138270.5); c.6349A>G (NM_000489.3); short protein forms T2079A, T2117A.
Identifiers: ClinVar variation 2636335 (VCV002636335.3), dbSNP rs2520501847, ClinGen allele CA413699368.
Genomic context (GRCh38, chrX:77,558,824, plus strand): 5'-CGTCGAATATAATTACTCGATTAGCAGCTACCAGATTAATTCCTAGAGATCCTGCTTTAG[T>C]AGAAATGATAAATAATCGTCCTCTGAAAATGAAAATATAGAATAAATGCTTCAGTAATTA-3'
Protein context (NP_000480.3, residues 2107-2127): NVRGRLFIIS[Thr2117Ala]KAGSLGINLV